The following is an entry in ClinVar:

NM_005609.4(PYGM):c.284C>T (p.Thr95Met)

Gene: PYGM (glycogen phosphorylase, muscle associated; minus strand). Cytogenetic location: 11q13.1.
Variant type: single nucleotide variant.
Coding change: c.284C>T on transcript NM_005609.4 (MANE Select); coding-DNA position 284, C replaced by T.
Protein change: p.Thr95Met; replaces threonine 95 with methionine.
Molecular consequence: missense variant. On other transcripts: intron variant (1).
Genome position (GRCh38, 1-based): chr11:64,758,664, G>A on the plus strand (C>T on the coding strand, the complement: PYGM is on the minus strand). VCF-style: chr11-64758664-G-A. GRCh37 (hg19) VCF-style: chr11-64526136-G-A.
Other names: c.244-398C>T (NM_001164716.1); c.284C>T (NM_005609.2); short protein forms T95M.
Identifiers: ClinVar variation 1494020 (VCV001494020.4), dbSNP rs375233791, ClinGen allele CA6080313.

ClinVar aggregate classification (germline): Uncertain significance. Review status: criteria provided, multiple submitters, no conflicts (2 of 4 stars). 2 submissions from 2 submitters: Uncertain significance (2). Last evaluated 2026-04-10.

Conditions:
Glycogen storage disease, type V (GSD5). Also called: MCARDLE DISEASE; MUSCLE GLYCOGEN PHOSPHORYLASE DEFICIENCY; MYOPHOSPHORYLASE DEFICIENCY; PYGM DEFICIENCY; McArdle type glycogen storage disease. Identifiers: Orphanet 368, MedGen C0017924, MONDO:0009293, OMIM 232600.

Allele frequency attached by ClinVar (database versions not stated): TOPMed 0.00007; ESP Exome Variant Server 0.00015; gnomAD 0.00009 and 0.00010; gnomAD exomes 0.00004 and 0.00016; ExAC 0.00005.

Submissions (2):

GeneDx
Classification: Uncertain significance. Last evaluated: 2026-04-10. Review status: criteria provided, single submitter. Criteria: GeneDx Variant Classification Process June 2021. Collection method: clinical testing. Allele origin: germline.
Comment: Not observed at significant frequency in large population cohorts (gnomAD); In silico analysis supports that this missense variant has a deleterious effect on protein structure/function; Has not been previously published as pathogenic or benign to our knowledge

Labcorp Genetics (formerly Invitae), Labcorp
Classification: Uncertain significance for Glycogen storage disease, type V. Last evaluated: 2022-06-26. Review status: criteria provided, single submitter. Criteria: Invitae Variant Classification Sherloc (09022015). Collection method: clinical testing. Allele origin: germline.
Comment: This sequence change replaces threonine, which is neutral and polar, with methionine, which is neutral and non-polar, at codon 95 of the PYGM protein (p.Thr95Met). This variant is present in population databases (rs375233791, gnomAD 0.008%). This variant has not been reported in the literature in individuals affected with PYGM-related conditions. Algorithms developed to predict the effect of missense changes on protein structure and function are either unavailable or do not agree on the potential impact of this missense change (SIFT: "Not Available"; PolyPhen-2: "Possibly Damaging"; Align-GVGD: "Not Available"). In summary, the available evidence is currently insufficient to determine the role of this variant in disease. Therefore, it has been classified as a Variant of Uncertain Significance.